The following is an entry in ClinVar:

ClinVar aggregate classification (germline): Uncertain significance (1 of 4 stars; one submission).

Conditions:
Hereditary cancer-predisposing syndrome. Also called: Hereditary Cancer Syndrome; Hereditary neoplastic syndrome; Neoplastic Syndromes, Hereditary; Tumor predisposition. Identifiers: Orphanet 140162, MedGen C0027672, MeSH D009386, MONDO:0015356.

Submission:

Ambry Genetics
Classification: Uncertain significance for Hereditary cancer-predisposing syndrome. Last evaluated: 2025-05-22. Review status: criteria provided, single submitter. Criteria: Ambry Variant Classification Scheme 2023. Collection method: clinical testing. Allele origin: germline.
Comment: The p.L1093R variant (also known as c.3278T>G), located in coding exon 23 of the MSH3 gene, results from a T to G substitution at nucleotide position 3278. The leucine at codon 1093 is replaced by arginine, an amino acid with dissimilar properties. This amino acid position is conserved. In addition, this alteration is predicted to be deleterious by in silico analysis. Based on the available evidence, the clinical significance of this variant remains unclear.

NM_002439.5(MSH3):c.3278T>G (p.Leu1093Arg)

Gene: MSH3 (mutS homolog 3; plus strand). Cytogenetic location: 5q14.1.
Variant type: single nucleotide variant.
Coding change: c.3278T>G on transcript NM_002439.5 (MANE Select); coding-DNA position 3278, T replaced by G.
Protein change: p.Leu1093Arg; replaces leucine 1093 with arginine.
Molecular consequence: missense variant.
Genome position (GRCh38, 1-based): chr5:80,873,263, T>G. VCF-style: chr5-80873263-T-G. GRCh37 (hg19) VCF-style: chr5-80169082-T-G.
Other names: short protein forms L1093R.
Identifiers: ClinVar variation 3913650 (VCV003913650.1).